The following is an entry in ClinVar:

ClinVar aggregate classification (germline): Pathogenic (1 of 4 stars; one submission).

Conditions:
Melnick-Fraser syndrome (BOR). Also called: Branchio-oto-renal syndrome; Branchiootorenal Syndrome (BORS); Branchiootorenal syndrome. Identifiers: Orphanet 107, MedGen C0265234, MONDO:0007029.

Submission:

Labcorp Genetics (formerly Invitae), Labcorp
Classification: Pathogenic for Melnick-Fraser syndrome. Last evaluated: 2019-12-30. Review status: criteria provided, single submitter. Criteria: Invitae Variant Classification Sherloc (09022015). Collection method: clinical testing. Allele origin: germline.
Comment: For these reasons, this variant has been classified as Pathogenic. Loss-of-function variants in EYA1 are known to be pathogenic (PMID: 10464653, 18220287). This variant has not been reported in the literature in individuals with EYA1-related conditions. This variant is not present in population databases (ExAC no frequency). This sequence change creates a premature translational stop signal (p.Gly396*) in the EYA1 gene. It is expected to result in an absent or disrupted protein product.

Literature cited by the submitters: PubMed 10464653; PubMed 18220287.

NM_000503.6(EYA1):c.1186G>T (p.Gly396Ter)

Gene: EYA1 (EYA transcriptional coactivator and phosphatase 1; minus strand). Cytogenetic location: 8q13.3.
Variant type: single nucleotide variant.
Coding change: c.1186G>T on transcript NM_000503.6 (MANE Select); coding-DNA position 1186, G replaced by T.
Protein change: p.Gly396Ter; replaces glycine 396 with a stop codon.
Molecular consequence: nonsense.
Genome position (GRCh38, 1-based): chr8:71,216,978, C>A on the plus strand (G>T on the coding strand, the complement: EYA1 is on the minus strand). VCF-style: chr8-71216978-C-A. GRCh37 (hg19) VCF-style: chr8-72129213-C-A.
Other names: c.1168G>T, p.Gly390Ter (NM_001288574.2, NM_172059.5); c.820G>T, p.Gly274Ter (NM_001288575.2); c.1273G>T, p.Gly425Ter (NM_001370333.1); c.1186G>T, p.Gly396Ter (NM_001370334.1, NM_001370335.1, NM_172058.4); c.1165G>T, p.Gly389Ter (NM_001370336.1); short protein forms G389*, G390*, G425*, G274*, G396*.
Identifiers: ClinVar variation 854280 (VCV000854280.8), dbSNP rs727503047, ClinGen allele CA371466952.